The following is an entry in ClinVar:

NM_006904.7(PRKDC):c.8892T>G (p.Asp2964Glu)

Gene: PRKDC (protein kinase, DNA-activated, catalytic subunit; minus strand). Cytogenetic location: 8q11.21.
Variant type: single nucleotide variant.
Coding change: c.8892T>G on transcript NM_006904.7 (MANE Select); coding-DNA position 8892, T replaced by G.
Protein change: p.Asp2964Glu; replaces aspartic acid 2964 with glutamic acid.
Molecular consequence: missense variant.
Genome position (GRCh38, 1-based): chr8:47,823,888, A>C on the plus strand (T>G on the coding strand, the complement: PRKDC is on the minus strand). VCF-style: chr8-47823888-A-C. GRCh37 (hg19) VCF-style: chr8-48736449-A-C.
Other names: c.8892T>G, p.Asp2964Glu (NM_001081640.2); short protein forms D2964E.
Identifiers: ClinVar variation 2564517 (VCV002564517.2), dbSNP rs2551865859, ClinGen allele CA371142321.
Genomic context (GRCh38, chr8:47,823,888, plus strand): 5'-ATGTCATATTTTGCCAGAGATCAATTTTACCTCATCATACTGCTTAGCAGCTTCAGAATA[A>C]TCACTTCTGGCTTCTGCTAATAATGCACTCTGAGTGATTTGCTTTGTTCCTATCTCACTG-3'
Protein context (NP_008835.5, residues 2954-2974): QSALLAEARS[Asp2964Glu]YSEAAKQYDE

ClinVar aggregate classification (germline): Uncertain significance (1 of 4 stars; one submission).

Submission:

Ambry Genetics
Classification: Uncertain significance. Last evaluated: 2023-04-08. Review status: criteria provided, single submitter. Criteria: Ambry Variant Classification Scheme 2023. Collection method: clinical testing. Allele origin: germline.
Comment: The p.D2964E variant (also known as c.8892T>G), located in coding exon 64 of the PRKDC gene, results from a T to G substitution at nucleotide position 8892. The aspartic acid at codon 2964 is replaced by glutamic acid, an amino acid with highly similar properties. This amino acid position is conserved. In addition, this alteration is predicted to be deleterious by in silico analysis. Since supporting evidence is limited at this time, the clinical significance of this alteration remains unclear.